The following is an entry in ClinVar:

ClinVar aggregate classification (germline): Conflicting classifications of pathogenicity. Review status: criteria provided, conflicting classifications (1 of 4 stars). 5 submissions from 5 submitters: Uncertain significance (2); Likely benign (3). Last evaluated 2026-07-20.

Conditions:
TTN-related disorder. Also called: TTN-related condition; TTN-related disease; TTN-related disorders.
Cardiomyopathy (CMYO). Also called: Cardiomyopathies. Identifiers: Orphanet 167848, MedGen C0878544, MONDO:0004994, HP:0001638. Inheritance: Various modes of inheritance.

Allele frequency attached by ClinVar (database versions not stated): gnomAD exomes 0.00005 and 0.00006; TOPMed 0.00005; gnomAD 0.00006 and 0.00007; ExAC 0.00007; 1000 Genomes Project 0.00040; 1000 Genomes Project 30x 0.00047.
gnomAD v4.1: 79 of 1,613,872 alleles (0.0049%); highest among the groups gnomAD compares: African/African-American, 0.0093%; no homozygotes.

Submissions (5):

PreventionGenetics, part of Exact Sciences
Classification: Uncertain significance for TTN-related condition. Last evaluated: 2026-07-20. Review status: criteria provided, single submitter. Criteria: ACMG Guidelines, 2015. Collection method: clinical testing. Allele origin: germline.
Comment: The TTN c.29314G>A variant is predicted to result in the amino acid substitution p.Val9772Met. This variant has been reported in an individual with Bannayan-Riley-Ruvalcaba-like syndrome (Supplementary Table 5, Yehia et al. 2017. PubMed ID: 29263846). This variant is reported in 0.017% of alleles in individuals of African descent in gnomAD. At this time, the clinical significance of this variant is uncertain due to the absence of conclusive functional and genetic evidence.

Molecular Diagnostic Laboratory for Inherited Cardiovascular Disease, Montreal Heart Institute
Classification: Likely benign. Last evaluated: 2026-03-27. Review status: criteria provided, single submitter. Criteria: ACMG Guidelines, 2015. Collection method: clinical testing. Allele origin: germline. Affected: no.

Revvity Omics, Revvity
Classification: Uncertain significance. Last evaluated: 2024-07-29. Review status: criteria provided, single submitter. Criteria: ACMG Guidelines, 2015. Collection method: clinical testing. Allele origin: germline.

CHEO Genetics Diagnostic Laboratory, Children's Hospital of Eastern Ontario
Classification: Likely benign for Cardiomyopathy. Last evaluated: 2022-03-18. Review status: criteria provided, single submitter. Criteria: ACMG Guidelines, 2015. Collection method: clinical testing. Allele origin: germline.

GeneDx
Classification: Likely benign. Last evaluated: 2017-11-24. Review status: criteria provided, single submitter. Criteria: GeneDx Variant Classification (06012015). Collection method: clinical testing. Allele origin: germline. Affected: yes.
Comment: This variant is considered likely benign or benign based on one or more of the following criteria: it is a conservative change, it occurs at a poorly conserved position in the protein, it is predicted to be benign by multiple in silico algorithms, and/or has population frequency not consistent with disease.

NM_001267550.2(TTN):c.29314G>A (p.Val9772Met)

Gene: TTN (titin; minus strand). Cytogenetic location: 2q31.2.
Variant type: single nucleotide variant.
Coding change: c.29314G>A on transcript NM_001267550.2 (MANE Select); coding-DNA position 29314, G replaced by A.
Protein change: p.Val9772Met; replaces valine 9772 with methionine.
Molecular consequence: missense variant. On other transcripts: intron variant (3).
Genome position (GRCh38, 1-based): chr2:178,706,560, C>T on the plus strand (G>A on the coding strand, the complement: TTN is on the minus strand). VCF-style: chr2-178706560-C-T. GRCh37 (hg19) VCF-style: chr2-179571287-C-T.
Other names: p.V9455M:GTG>ATG; c.28363G>A, p.Val9455Met (NM_001256850.1); c.25582G>A, p.Val8528Met (NM_133378.4); c.13282+31522G>A (NM_003319.4); c.13858+31522G>A (NM_133437.4); c.13657+31522G>A (NM_133432.3); short protein forms V9455M, V9772M, V8528M.
Identifiers: ClinVar variation 202551 (VCV000202551.6), dbSNP rs563073635, ClinGen allele CA309563.